The following is an entry in ClinVar:

NM_001165963.4(SCN1A):c.3889dup (p.Val1297fs)

Genes: SCN1A (sodium voltage-gated channel alpha subunit 1; minus strand), LOC102724058 (uncharacterized LOC102724058; plus strand). Cytogenetic location: 2q24.3.
Variant type: Duplication.
Coding change: c.3889dup on transcript NM_001165963.4 (MANE Select); coding-DNA position 3889, one base duplicated (G; older notation c.3889dupG).
Protein change: p.Val1297fs; shifts the reading frame from valine 1297.
Molecular consequence: frameshift variant. On other transcripts: non-coding transcript variant (1).
Genome position (GRCh38, 1-based): chr2:166,009,832, C duplicated on the plus strand (G on the coding strand, the reverse complement: SCN1A is on the minus strand); the first of 2 consecutive C bases (chr2:166,009,832-166,009,833); duplicating either gives the same sequence. VCF-style (leftmost placement, unchanged base first): chr2-166009831-A-AC. GRCh37 (hg19) VCF-style: chr2-166866341-A-AC.
Other names: c.3805dup, p.Val1269fs (NM_001165964.3, NM_001353957.2, NM_001353958.2); c.3889dup, p.Val1297fs (NM_001202435.3, NM_001353948.2); c.3856dup, p.Val1286fs (NM_001353949.2, NM_001353950.2, NM_001353951.2 and 2 more transcripts); c.3853dup, p.Val1285fs (NM_001353954.2, NM_001353955.2); c.3802dup, p.Val1268fs (NM_001353960.2); c.1447dup, p.Val483fs (NM_001353961.2); short protein forms V1268fs, V1269fs, V1285fs, V1286fs, V1297fs, V483fs.
Identifiers: ClinVar variation 1338795 (VCV001338795.1), dbSNP rs2105571418, ClinGen allele CA2573051704.

ClinVar aggregate classification (germline): Likely pathogenic (1 of 4 stars; one submission).

Conditions:
Severe myoclonic epilepsy in infancy (DRVT). Also called: Dravet syndrome; Epileptic encephalopathy, early infantile, 6 (Dravet syndrome); Severe Myoclonic Epilepsy in Infancy (SMEI); SEVERE MYOCLONIC EPILEPSY OF INFANCY; DEVELOPMENTAL AND EPILEPTIC ENCEPHALOPATHY 6A. Identifiers: Orphanet 33069, MedGen C0751122, MONDO:0100135, OMIM 607208.

Submission:

Institute of Human Genetics, University of Leipzig Medical Center
Classification: Likely pathogenic for Severe myoclonic epilepsy in infancy. Last evaluated: 2022-01-14. Review status: criteria provided, single submitter. Criteria: ACMG Guidelines, 2015. Collection method: clinical testing. Allele origin: unknown. Affected: yes.
Comment: _x000D_ Criteria applied: PVS1, PM2_SUP